The following is an entry in ClinVar:

ClinVar aggregate classification (germline): Conflicting classifications of pathogenicity. Review status: criteria provided, conflicting classifications (1 of 4 stars). 2 submissions from 2 submitters: Uncertain significance (1); Likely benign (1). Last evaluated 2025-02-27.

Conditions:
Cystic fibrosis (CF). Also called: MUCOVISCIDOSIS. Identifiers: Orphanet 586, MedGen C0010674, MONDO:0009061, OMIM 219700. Disease mechanism: loss of function.

gnomAD v4.1: 1 of 1,431,238 alleles (0.00007%); highest among the groups gnomAD compares: Non-Finnish European, 0.000099%; no homozygotes.

Submissions (2):

Women's Health and Genetics/Laboratory Corporation of America, LabCorp
Classification: Uncertain significance. Last evaluated: 2025-02-27. Review status: criteria provided, single submitter. Criteria: LabCorp Variant Classification Summary - May 2015. Collection method: clinical testing. Allele origin: germline.
Comment: Variant summary: CFTR c.1679+17T>G alters a non-conserved nucleotide located at a position not widely known to affect splicing. Consensus agreement among computation tools predict no significant impact on normal splicing. However, these predictions have yet to be confirmed by functional studies. The variant was absent in 249364 control chromosomes. The available data on variant occurrences in the general population are insufficient to allow any conclusion about variant significance. c.1679+17T>G has been reported in the presumed compound heterozygous state in the literature in at least 1 individual affected with Cystic Fibrosis (example, Frey_2022). These data do not allow any conclusion about variant significance. To our knowledge, no experimental evidence demonstrating an impact on protein function has been reported. The following publication has been ascertained in the context of this evaluation (PMID: 35633718). ClinVar contains an entry for this variant (Variation ID: 2726279). Based on the evidence outlined above, the variant was classified as VUS-possibly benign.

Labcorp Genetics (formerly Invitae), Labcorp
Classification: Likely benign for Cystic fibrosis. Last evaluated: 2023-07-22. Review status: criteria provided, single submitter. Criteria: Invitae Variant Classification Sherloc (09022015). Collection method: clinical testing. Allele origin: germline.

Literature cited by the submitters: PubMed 35633718 (cited by Women's Health and Genetics/Laboratory Corporation of America, LabCorp).

NM_000492.4(CFTR):c.1679+17T>G

Genes: CFTR (CF transmembrane conductance regulator; plus strand), LOC111674475 (CFTR intron 11 enhancer; plus strand). Cytogenetic location: 7q31.2.
Variant type: single nucleotide variant.
Coding change: c.1679+17T>G on transcript NM_000492.4 (MANE Select); 17 bases into the intron after coding-DNA position 1679, T replaced by G.
Molecular consequence: intron variant.
Genome position (GRCh38, 1-based): chr7:117,587,850, T>G. VCF-style: chr7-117587850-T-G. GRCh37 (hg19) VCF-style: chr7-117227904-T-G.
Identifiers: ClinVar variation 2726279 (VCV002726279.4), dbSNP rs1791969383, ClinGen allele CA2579000000.